The following is an entry in ClinVar:

NM_000441.2(SLC26A4):c.1708G>A (p.Val570Ile)

Gene: SLC26A4 (solute carrier family 26 member 4; plus strand). Cytogenetic location: 7q22.3.
Variant type: single nucleotide variant.
Coding change: c.1708G>A on transcript NM_000441.2 (MANE Select); coding-DNA position 1708, G replaced by A.
Protein change: p.Val570Ile; replaces valine 570 with isoleucine.
Molecular consequence: missense variant.
Genome position (GRCh38, 1-based): chr7:107,701,101, G>A. VCF-style: chr7-107701101-G-A. GRCh37 (hg19) VCF-style: chr7-107341546-G-A.
Other names: short protein forms V570I.
Identifiers: ClinVar variation 43521 (VCV000043521.34), dbSNP rs397516421, ClinGen allele CA132675.
Genomic context (GRCh38, chr7:107,701,101, plus strand): 5'-TTGCCATTAATAAGCTTTAGGTGCCAGGCATTTTAAGTAACTTGACATTTATTTCCAAAG[G>A]TTGGATTTGATGCCATTAGAGTATATAATAAGAGGCTGAAAGCGCTGAGGAAAATACAGA-3'
Protein context (NP_000432.1, residues 560-580): DGFKKCIKST[Val570Ile]GFDAIRVYNK

ClinVar aggregate classification (germline): Likely pathogenic. Review status: reviewed by expert panel (3 of 4 stars). 12 submissions from 12 submitters: Likely pathogenic (1). 11 of the submissions do not count toward it. Last evaluated 2022-10-31.

Conditions:
SLC26A4-related disorder. Also called: SLC26A4-related disorders; SLC26A4-related condition.
Pendred syndrome (PDS). Also called: Pendred's syndrome; THYROID DYSHORMONOGENESIS 2B; THYROID HORMONOGENESIS, GENETIC DEFECT IN, 2B; Pendred Syndrome (PDS); DEAFNESS WITH GOITER; GOITER-DEAFNESS SYNDROME. Identifiers: Orphanet 705, MedGen C0271829, MONDO:0010134, OMIM 274600.
Autosomal recessive nonsyndromic hearing loss 4 (DFNB4). Also called: Deafness, autosomal recessive 4, with enlarged vestibular aqueduct; Enlarged vestibular aqueduct, digenic; Nonsyndromic enlarged vestibular aqueduct (NSEVA); FOXI1-Related Pendred Syndrome; KCNJ10-Related Pendred Syndrome; DEAFNESS, AUTOSOMAL RECESSIVE 4, WITH ENLARGED VESTIBULAR AQUEDUCT, DIGENIC. Identifiers: Orphanet 90636, MedGen C3538946, MONDO:0010933, OMIM 600791.

Allele frequency attached by ClinVar (database versions not stated): ExAC 0.00002; gnomAD exomes 0.00004; gnomAD 0.00005 and 0.00006; TOPMed 0.00005.
gnomAD v4.1: 51 of 1,586,870 alleles (0.0032%); highest among the groups gnomAD compares: Non-Finnish European, 0.0013%; no homozygotes.

Submissions (12):

ClinGen Hearing Loss Variant Curation Expert Panel
Classification: Likely pathogenic for Pendred syndrome. Last evaluated: 2022-10-31. Review status: reviewed by expert panel. Criteria: Clingen Hl Acmg Specifications Cdh23 Coch Gjb2 Kcnq4 Myo6 Myo7a Slc26a4 Tecta Ush2a V2. Collection method: curation. Allele origin: germline. Inheritance: Autosomal recessive inheritance.
Comment: The c.1708G>A variant in SLC26A4 is a missense variant predicted to cause the substitution of valine by isoleucine at amino acid 570 (p.Val570Ile). This variant is absent from gnomAD v2.1.1 (PM2_Supporting). The computations predictor REVEL gives a score of 0.547, which is neither above nor below the thresholds predicting a damaging or benign impact on SLC26A4 function. This variant is located at the first nucleotide of the exon and is heavily conserved in UCSC. Splice prediction analysis using MaxEntScan suggests an impact on splicing from the loss of the 3' consensus splice sequence (PP3). The c.1708G>A (p.Val570Ile) variant in SLC26A4 has also been detected in 3 different patients with hearing loss and the variant was found in trans with the pathogenic variant p.Leu117Phe.This variant has been detected in at least 3 individuals with Pendred syndrome. All of these individuals were compound heterozygous for the variant and a pathogenic or likely pathogenic variant confirmed in trans (3 PM3 points, PMID: 34170635, SCV000060111.6) (PM3_Strong). At least two probands with this variant displayed features of sensorineural hearing loss and enlarged vestibular aqueduct, a phenotype specific for Pendred syndrome (PMID: 34170635, SCV000060111.6) (PP4). In summary, this variant meets the criteria to be classified as likely pathogenic for autosomal recessive Pendred syndrome based on the ACMG/AMP criteria applied as specified by the ClinGen Hearing Loss VCEP: PM3_Strong, PM2_Supporting, PP3, PP4 (ClinGen Hearing Loss VCEP specifications version 2; 10/31/2022)

GeneDx
Classification: Likely pathogenic. Last evaluated: 2026-09-08. Review status: criteria provided, single submitter. Criteria: GeneDx Variant Classification Process June 2021. Collection method: clinical testing. Allele origin: germline. Not counted in ClinVar's aggregate classification.
Comment: In silico analysis suggests that this missense variant does not alter protein structure/function; Classified as likely pathogenic by the ClinGen Hearing Loss Expert Panel (ClinVar SCV001164268.1; PMID: 30311386); This variant is associated with the following publications: (PMID: 34230634, 34170635, 40008839, 36833263, 30311386)

PreventionGenetics, part of Exact Sciences
Classification: Likely pathogenic for SLC26A4-related condition. Last evaluated: 2026-08-07. Review status: criteria provided, single submitter. Criteria: ACMG Guidelines, 2015. Collection method: clinical testing. Allele origin: germline. Not counted in ClinVar's aggregate classification.
Comment: The SLC26A4 c.1708G>A variant is predicted to result in the amino acid substitution p.Val570Ile. This variant has been reported along with a second pathogenic variant in two individuals with hearing loss and/or enlarged vestibular aqueduct (Tian et al 2021. PubMed ID: 34170635; Bałdyga et al. 2023. PubMed ID: 36833263). This variant is reported in 0.080% of alleles in individuals of Ashkenazi Jewish descent in gnomAD. This variant is classified as likely pathogenic for autosomal recessive Pendred syndrome by the ClinGen Hearing Loss Variant Curation Expert Panel, in part based on internal data from other clinical testing laboratories (Variation ID: 43521). This variant is interpreted as likely pathogenic.

Natera, Inc.
Classification: Likely pathogenic for Pendred syndrome. Last evaluated: 2025-07-28. Review status: criteria provided, single submitter. Criteria: Natera Variant Classification Schema (03/2026). Collection method: clinical testing. Allele origin: germline. Not counted in ClinVar's aggregate classification.
Comment: The c.1708G>A variant in SLC26A4 is a missense variant predicted to cause substitution of valine to isoleucine at amino acid 570. This variant is rare in the general population with a frequency below the threshold expected for the associated phenotype(s). This variant has been observed in one or more individuals affected with the associated recessive disease, as either homozygous or compound heterozygous with a second variant (PMID: 34170635, 36833263). Computational prediction algorithms indicate this variant is likely to affect gene or protein function. Given the available evidence, this variant is classified as Likely Pathogenic.

Women's Health and Genetics/Laboratory Corporation of America, LabCorp
Classification: Likely pathogenic for Pendred syndrome. Last evaluated: 2025-06-02. Review status: criteria provided, single submitter. Criteria: LabCorp Variant Classification Summary - May 2015. Collection method: clinical testing. Allele origin: germline. Not counted in ClinVar's aggregate classification.
Comment: Variant summary: SLC26A4 c.1708G>A (p.Val570Ile) results in a conservative amino acid change in the encoded protein sequence. Algorithms developed to predict the effect of missense changes on protein structure and function are either unavailable or do not agree on the potential impact of this missense change. Computational tools predict a significant impact on normal splicing: Two predict the variant weakens a 5' donor site and one predicts the variant abolishes this site. However, these predictions have yet to be confirmed by functional studies. The variant allele was found at a frequency of 4e-05 in 251016 control chromosomes (gnomAD). This frequency is not significantly higher than estimated for a pathogenic variant in SLC26A4 causing Pendred Syndrome (4e-05 vs 0.0035), allowing no conclusion about variant significance. c.1708G>A has been observed in individuals affected with features of Pendred Syndrome (Usami_2008, Tian_2021, Baldyga_2023, Labcorp (formerly Invitae)). These data indicate that the variant is likely to be associated with disease. To our knowledge, no experimental evidence demonstrating an impact on protein function has been reported. The following publications have been ascertained in the context of this evaluation (PMID: 34170635, 36833263, 18368581). ClinVar contains an entry for this variant (Variation ID: 43521). Based on the evidence outlined above, the variant was classified as likely pathogenic.

Fulgent Genetics
Classification: Likely pathogenic for Pendred syndrome; Autosomal recessive nonsyndromic hearing loss 4. Last evaluated: 2024-06-22. Review status: criteria provided, single submitter. Criteria: ACMG Guidelines, 2015. Collection method: clinical testing. Allele origin: germline. Not counted in ClinVar's aggregate classification.

Labcorp Genetics (formerly Invitae), Labcorp
Classification: Pathogenic. Last evaluated: 2024-06-05. Review status: criteria provided, single submitter. Criteria: Invitae Variant Classification Sherloc (09022015). Collection method: clinical testing. Allele origin: germline. Not counted in ClinVar's aggregate classification.
Comment: This sequence change replaces valine, which is neutral and non-polar, with isoleucine, which is neutral and non-polar, at codon 570 of the SLC26A4 protein (p.Val570Ile). This variant is present in population databases (rs397516421, gnomAD 0.08%). This missense change has been observed in individual(s) with clinical features of Pendred syndrome and/or deafness (PMID: 34170635; Invitae; ClinVar entry for Variation ID: 43521). In at least one individual the data is consistent with being in trans (on the opposite chromosome) from a pathogenic variant. ClinVar contains an entry for this variant (Variation ID: 43521). An algorithm developed to predict the effect of missense changes on protein structure and function (PolyPhen-2) suggests that this variant is likely to be disruptive. For these reasons, this variant has been classified as Pathogenic.

Revvity Omics, Revvity
Classification: Likely pathogenic. Last evaluated: 2024-06-04. Review status: criteria provided, single submitter. Criteria: ACMG Guidelines, 2015. Collection method: clinical testing. Allele origin: germline. Not counted in ClinVar's aggregate classification.

Baylor Genetics
Classification: Likely pathogenic for Autosomal recessive nonsyndromic hearing loss 4. Last evaluated: 2024-03-27. Review status: criteria provided, single submitter. Criteria: ACMG Guidelines, 2015. Collection method: clinical testing. Allele origin: unknown. Not counted in ClinVar's aggregate classification.

Blueprint Genetics
Classification: Likely pathogenic for SLC26A4-related disorders. Last evaluated: 2023-12-27. Review status: criteria provided, single submitter. Criteria: ACMG Guidelines, 2015. Collection method: clinical testing. Allele origin: germline. Affected: yes. Observed: 5 variant alleles. Not counted in ClinVar's aggregate classification.

Laboratory for Molecular Medicine, Mass General Brigham Personalized Medicine
Classification: Uncertain significance. Last evaluated: 2014-09-12. Review status: criteria provided, single submitter. Criteria: LMM Criteria. Collection method: clinical testing. Allele origin: germline. Observed: 5 variant alleles. Not counted in ClinVar's aggregate classification.
Comment: Variant classified as Uncertain Significance - Favor Pathogenic. Moreover, this variant has been identified in one other proband as reported o n the MORL website, but was absent from large population studies. The valine (Val) residue at pos ition 570 is highly conserved across species. In addition, the G nucleotide at p osition 1708 is located within the 3? splice junction consensus sequence and the refore could impact splicing (in silico programs suggest a modest divergence fro m consensus). In summary, the clinical significance of the p.Val570Ile variant i s uncertain; however the available data suggest that it is more likely to be pat hogenic.

Counsyl
Classification: Uncertain significance for Pendred syndrome. Last evaluated: 2018-03-30. Review status: no assertion criteria provided. Collection method: clinical testing. Allele origin: unknown. Not counted in ClinVar's aggregate classification.

Literature cited by the submitters: PubMed 34170635 (cited by 3 submitters); PubMed 36833263 (cited by Natera, Inc. and Women's Health and Genetics/Laboratory Corporation of America, LabCorp); PubMed 18368581 (cited by Women's Health and Genetics/Laboratory Corporation of America, LabCorp); PubMed 43521 (cited by Labcorp Genetics (formerly Invitae), Labcorp).